The following is an entry in ClinVar:

ClinVar aggregate classification (germline): Benign/Likely benign. Review status: criteria provided, multiple submitters, no conflicts (2 of 4 stars). 5 submissions from 5 submitters: Benign (1); Likely benign (2). 2 of the submissions do not count toward it. Last evaluated 2026-01-27.

Conditions:
Early-infantile DEE. Also called: Early infantile epileptic encephalopathy; Ohtahara syndrome; Early infantile epileptic encephalopathy with suppression bursts. Identifiers: Orphanet 1934, MedGen C0393706, MONDO:0800491.
Inborn genetic diseases. Identifiers: MedGen C0950123, MeSH D030342.

Allele frequency attached by ClinVar (database versions not stated): ESP Exome Variant Server 0.00054; gnomAD 0.00124 and 0.00138; 1000 Genomes Project 30x 0.00125; TOPMed 0.00131; 1000 Genomes Project 0.00140.
gnomAD v4.1: 397 of 1,614,110 alleles (0.025%); highest among the groups gnomAD compares: African/African-American, 0.46%; no homozygotes.

Submissions (15):

Labcorp Genetics (formerly Invitae), Labcorp
Classification: Likely benign for Early-infantile DEE. Last evaluated: 2026-01-27. Review status: criteria provided, single submitter. Criteria: Invitae Variant Classification Sherloc (09022015). Collection method: clinical testing. Allele origin: germline.

Ambry Genetics
Classification: Likely benign for Inborn genetic diseases. Last evaluated: 2018-07-25. Review status: criteria provided, single submitter. Criteria: Ambry Variant Classification Scheme 2023. Collection method: clinical testing. Allele origin: germline.

GeneDx
Classification: Benign. Last evaluated: 2016-12-01. Review status: criteria provided, single submitter. Criteria: GeneDx Variant Classification (06012015). Collection method: clinical testing. Allele origin: germline. Affected: yes.
Comment: This variant is considered likely benign or benign based on one or more of the following criteria: it is a conservative change, it occurs at a poorly conserved position in the protein, it is predicted to be benign by multiple in silico algorithms, and/or has population frequency not consistent with disease.

Channelopathy-Associated Epilepsy Research Center
No classification provided (evidence only). Review status: no classification provided. Collection method: in vitro. Allele origin: not applicable. Functional consequence: Normal peak current. Not counted in ClinVar's aggregate classification.

Channelopathy-Associated Epilepsy Research Center
No classification provided (evidence only). Review status: no classification provided. Collection method: in vitro. Allele origin: not applicable. Functional consequence: Normal persistent current. Not counted in ClinVar's aggregate classification.

Channelopathy-Associated Epilepsy Research Center
No classification provided (evidence only). Review status: no classification provided. Collection method: in vitro. Allele origin: not applicable. Functional consequence: Normal voltage dependence of activation. Not counted in ClinVar's aggregate classification.

Channelopathy-Associated Epilepsy Research Center
No classification provided (evidence only). Review status: no classification provided. Collection method: in vitro. Allele origin: not applicable. Functional consequence: Normal slope of activation. Not counted in ClinVar's aggregate classification.

Channelopathy-Associated Epilepsy Research Center
No classification provided (evidence only). Review status: no classification provided. Collection method: in vitro. Allele origin: not applicable. Functional consequence: Normal voltage dependence of fast inactivation. Not counted in ClinVar's aggregate classification.

Channelopathy-Associated Epilepsy Research Center
No classification provided (evidence only). Review status: no classification provided. Collection method: in vitro. Allele origin: not applicable. Functional consequence: Normal slope of fast inactivation. Not counted in ClinVar's aggregate classification.

Channelopathy-Associated Epilepsy Research Center
No classification provided (evidence only). Review status: no classification provided. Collection method: in vitro. Allele origin: not applicable. Functional consequence: Normal rate of recovery from fast inactivation. Not counted in ClinVar's aggregate classification.

Channelopathy-Associated Epilepsy Research Center
No classification provided (evidence only). Review status: no classification provided. Collection method: in vitro. Allele origin: not applicable. Functional consequence: Normal current amplitude in use dependence. Not counted in ClinVar's aggregate classification.

Channelopathy-Associated Epilepsy Research Center
No classification provided (evidence only). Review status: no classification provided. Collection method: in vitro. Allele origin: not applicable. Functional consequence: Normal fast inactivation. Not counted in ClinVar's aggregate classification.

Channelopathy-Associated Epilepsy Research Center
No classification provided (evidence only). Review status: no classification provided. Collection method: in vitro. Allele origin: not applicable. Functional consequence: Normal ramp current. Not counted in ClinVar's aggregate classification.

Diagnostic Laboratory, Department of Genetics, University Medical Center Groningen
Classification: Likely benign. Review status: no assertion criteria provided. Collection method: clinical testing. Allele origin: germline. Affected: yes. Study: VKGL Data-share Consensus. Not counted in ClinVar's aggregate classification.

Genome Diagnostics Laboratory, University Medical Center Utrecht
Classification: Likely benign. Review status: no assertion criteria provided. Collection method: clinical testing. Allele origin: germline. Affected: yes. Study: VKGL Data-share Consensus. Not counted in ClinVar's aggregate classification.

NM_001165963.4(SCN1A):c.68C>T (p.Ala23Val)

Gene: SCN1A (sodium voltage-gated channel alpha subunit 1; minus strand). Cytogenetic location: 2q24.3.
Variant type: single nucleotide variant.
Coding change: c.68C>T on transcript NM_001165963.4 (MANE Select); coding-DNA position 68, C replaced by T.
Protein change: p.Ala23Val; replaces alanine 23 with valine.
Molecular consequence: missense variant. On other transcripts: 5 prime UTR variant (1), non-coding transcript variant (1).
Genome position (GRCh38, 1-based): chr2:166,073,554, G>A on the plus strand (C>T on the coding strand, the complement: SCN1A is on the minus strand). VCF-style: chr2-166073554-G-A. GRCh37 (hg19) VCF-style: chr2-166930064-G-A.
Other names: p.A23V:GCG>GTG; c.68C>T, p.Ala23Val (NM_001165964.3, NM_001202435.3, NM_001353948.2 and 10 more transcripts); c.-2358C>T (NM_001353961.2); short protein forms A23V.
Identifiers: ClinVar variation 206801 (VCV000206801.16), dbSNP rs139397227, ClinGen allele CA317367.